The following is an entry in ClinVar:

ClinVar aggregate classification (germline): Uncertain significance (1 of 4 stars; one submission).

Allele frequency attached by ClinVar (database versions not stated): gnomAD exomes below 0.00001; TOPMed below 0.00001; ExAC 0.00001; gnomAD 0.00001.
gnomAD v4.1: 8 of 1,613,580 alleles (0.0005%); highest among the groups gnomAD compares: Admixed American, 0.0083%; no homozygotes.

Submission:

Labcorp Genetics (formerly Invitae), Labcorp
Classification: Uncertain significance. Last evaluated: 2022-07-09. Review status: criteria provided, single submitter. Criteria: Invitae Variant Classification Sherloc (09022015). Collection method: clinical testing. Allele origin: germline.
Comment: This variant is present in population databases (rs747868706, gnomAD 0.006%). This variant has not been reported in the literature in individuals affected with HSPG2-related conditions. Algorithms developed to predict the effect of missense changes on protein structure and function are either unavailable or do not agree on the potential impact of this missense change (SIFT: "Tolerated"; PolyPhen-2: "Possibly Damaging"; Align-GVGD: "Class C0"). Algorithms developed to predict the effect of sequence changes on RNA splicing suggest that this variant may create or strengthen a splice site. In summary, the available evidence is currently insufficient to determine the role of this variant in disease. Therefore, it has been classified as a Variant of Uncertain Significance. This sequence change replaces arginine, which is basic and polar, with cysteine, which is neutral and slightly polar, at codon 2523 of the HSPG2 protein (p.Arg2523Cys).

NM_005529.7(HSPG2):c.7567C>T (p.Arg2523Cys)

Gene: HSPG2 (heparan sulfate proteoglycan 2; minus strand). Cytogenetic location: 1p36.12.
Variant type: single nucleotide variant.
Coding change: c.7567C>T on transcript NM_005529.7 (MANE Select); coding-DNA position 7567, C replaced by T.
Protein change: p.Arg2523Cys; replaces arginine 2523 with cysteine.
Molecular consequence: missense variant.
Genome position (GRCh38, 1-based): chr1:21,848,911, G>A on the plus strand (C>T on the coding strand, the complement: HSPG2 is on the minus strand). VCF-style: chr1-21848911-G-A. GRCh37 (hg19) VCF-style: chr1-22175404-G-A.
Other names: c.7570C>T, p.Arg2524Cys (NM_001291860.2); short protein forms R2523C, R2524C.
Identifiers: ClinVar variation 1925182 (VCV001925182.4), dbSNP rs747868706, ClinGen allele CA671139.